The following is an entry in ClinVar:

NM_000548.5(TSC2):c.2305G>T (p.Val769Leu)

Gene: TSC2 (TSC complex subunit 2; plus strand). Cytogenetic location: 16p13.3.
Variant type: single nucleotide variant.
Coding change: c.2305G>T on transcript NM_000548.5 (MANE Select); coding-DNA position 2305, G replaced by T.
Protein change: p.Val769Leu; replaces valine 769 with leucine.
Molecular consequence: missense variant. On other transcripts: non-coding transcript variant (5).
Genome position (GRCh38, 1-based): chr16:2,072,933, G>T. VCF-style: chr16-2072933-G-T. GRCh37 (hg19) VCF-style: chr16-2122934-G-T.
Other names: c.1705G>T, p.Val569Leu (NM_001406686.1, NM_001406687.1, NM_001406688.1 and 6 more transcripts); c.961G>T, p.Val321Leu (NM_001406689.1, NM_001406690.1, NM_001406691.1 and 6 more transcripts); c.2158G>T, p.Val720Leu (NM_001406676.1, NM_001406679.1, NM_001406675.1 and 1 more transcripts); c.2248G>T, p.Val750Leu (NM_001406677.1); c.2194G>T, p.Val732Leu (NM_001406678.1, NM_001406670.1, NM_001318827.2); c.1843G>T, p.Val615Leu (NM_001406681.1); c.2293G>T, p.Val765Leu (NM_001406671.1, NM_001406673.1); c.2305G>T, p.Val769Leu (NM_001077183.3, NM_001114382.3, NM_001363528.2 and 6 more transcripts); and 3 more; short protein forms V235L, V321L, V569L, V615L, V720L, V732L, V750L, V765L.
Identifiers: ClinVar variation 4866143 (VCV004866143.1).

ClinVar aggregate classification (germline): Uncertain significance (1 of 4 stars; one submission).

Conditions:
Hereditary cancer-predisposing syndrome. Also called: Neoplastic Syndromes, Hereditary; Tumor predisposition; Hereditary Cancer Syndrome; Hereditary neoplastic syndrome. Identifiers: Orphanet 140162, MedGen C0027672, MeSH D009386, MONDO:0015356.

Submission:

Ambry Genetics
Classification: Uncertain significance for Hereditary cancer-predisposing syndrome. Last evaluated: 2026-06-12. Review status: criteria provided, single submitter. Criteria: Ambry Variant Classification Scheme 2023. Collection method: clinical testing. Allele origin: germline.
Comment: The p.V769L variant (also known as c.2305G>T), located in coding exon 20 of the TSC2 gene, results from a G to T substitution at nucleotide position 2305. The valine at codon 769 is replaced by leucine, an amino acid with highly similar properties. This amino acid position is conserved. In addition, this alteration is predicted to be deleterious by in silico analysis. Based on the available evidence, the clinical significance of this variant remains unclear.